The following is an entry in ClinVar:

NM_152542.5(PPM1K):c.145C>T (p.Arg49Trp)

Gene: PPM1K (protein phosphatase, Mg2+/Mn2+ dependent 1K; minus strand). Cytogenetic location: 4q22.1.
Variant type: single nucleotide variant.
Coding change: c.145C>T on transcript NM_152542.5 (MANE Select); coding-DNA position 145, C replaced by T.
Protein change: p.Arg49Trp; replaces arginine 49 with tryptophan.
Molecular consequence: missense variant.
Genome position (GRCh38, 1-based): chr4:88,278,439, G>A on the plus strand (C>T on the coding strand, the complement: PPM1K is on the minus strand). VCF-style: chr4-88278439-G-A. GRCh37 (hg19) VCF-style: chr4-89199591-G-A.
Other names: short protein forms R49W.
Identifiers: ClinVar variation 1400482 (VCV001400482.7), dbSNP rs758727668, ClinGen allele CA3005353.

ClinVar aggregate classification (germline): Uncertain significance. Review status: criteria provided, multiple submitters, no conflicts (2 of 4 stars). 2 submissions from 2 submitters: Uncertain significance (2). Last evaluated 2024-10-29.

Conditions:
Maple syrup urine disease, mild variant (MSUDMV). Identifiers: Orphanet 511, MedGen C3554575, MONDO:0014057, OMIM 615135.

Allele frequency attached by ClinVar (database versions not stated): gnomAD exomes 0.00004 and 0.00009; gnomAD 0.00005 and 0.00006; TOPMed 0.00005; ExAC 0.00011.

Submissions (2):

Labcorp Genetics (formerly Invitae), Labcorp
Classification: Uncertain significance for Maple syrup urine disease, mild variant. Last evaluated: 2024-10-29. Review status: criteria provided, single submitter. Criteria: Invitae Variant Classification Sherloc (09022015). Collection method: clinical testing. Allele origin: germline.
Comment: This sequence change replaces arginine, which is basic and polar, with tryptophan, which is neutral and slightly polar, at codon 49 of the PPM1K protein (p.Arg49Trp). This variant is present in population databases (rs758727668, gnomAD 0.02%). This variant has not been reported in the literature in individuals affected with PPM1K-related conditions. ClinVar contains an entry for this variant (Variation ID: 1400482). An algorithm developed to predict the effect of missense changes on protein structure and function (PolyPhen-2) suggests that this variant is likely to be disruptive. In summary, the available evidence is currently insufficient to determine the role of this variant in disease. Therefore, it has been classified as a Variant of Uncertain Significance.

Breakthrough Genomics
Classification: Uncertain significance. Review status: criteria provided, single submitter. Criteria: ACMG Guidelines, 2015. Collection method: not provided. Allele origin: germline. Inheritance: Autosomal recessive inheritance. Affected: yes.